The following is an entry in ClinVar:

NM_000214.3(JAG1):c.667G>A (p.Gly223Ser)

Gene: JAG1 (jagged canonical Notch ligand 1; minus strand). Cytogenetic location: 20p12.2.
Variant type: single nucleotide variant.
Coding change: c.667G>A on transcript NM_000214.3 (MANE Select); coding-DNA position 667, G replaced by A.
Protein change: p.Gly223Ser; replaces glycine 223 with serine.
Molecular consequence: missense variant.
Genome position (GRCh38, 1-based): chr20:10,658,495, C>T on the plus strand (G>A on the coding strand, the complement: JAG1 is on the minus strand). VCF-style: chr20-10658495-C-T. GRCh37 (hg19) VCF-style: chr20-10639143-C-T.
Other names: short protein forms G223S.
Identifiers: ClinVar variation 3573080 (VCV003573080.2).

Conditions:
Arteriohepatic dysplasia. Also called: Alagille Syndrome. Identifiers: Orphanet 52, MedGen C0085280, MeSH D016738, MONDO:0007318.

gnomAD v4.1: 1 of 1,614,218 alleles (0.000062%); highest among the groups gnomAD compares: Non-Finnish European, 0.000085%; no homozygotes.

Submission:

Gilbert/Spinner Lab, Children's Hospital of Philadelphia
No classification provided (evidence only). Condition: Alagille syndrome. Review status: no classification provided. Collection method: research. Allele origin: not applicable. Functional consequence: functionally_abnormal.
ClinVar note: "not provided" was previously submitted as the classification for the variant. However, the classification appeared to be based only on an observation of functional data so it was converted to no classification on 2025-07-30.